The following is an entry in ClinVar:

ClinVar aggregate classification (germline): Likely benign (0 of 4 stars; one submission).

Conditions:
KSR2-related disorder. Also called: KSR2-related condition.

gnomAD v4.1: 22 of 1,613,046 alleles (0.0014%); highest among the groups gnomAD compares: Non-Finnish European, 0.0019%; no homozygotes.

Submission:

PreventionGenetics, part of Exact Sciences
Classification: Likely benign for KSR2-related condition. Last evaluated: 2022-12-28. Review status: no assertion criteria provided. Collection method: clinical testing. Allele origin: germline.
Comment: This variant is classified as likely benign based on ACMG/AMP sequence variant interpretation guidelines (Richards et al. 2015 PMID: 25741868, with internal and published modifications).

NM_173598.6(KSR2):c.1730-4T>G

Gene: KSR2 (kinase suppressor of ras 2; minus strand). Cytogenetic location: 12q24.22.
Variant type: single nucleotide variant.
Coding change: c.1730-4T>G on transcript NM_173598.6 (MANE Select); 4 bases into the intron before coding-DNA position 1730, T replaced by G.
Molecular consequence: intron variant.
Genome position (GRCh38, 1-based): chr12:117,531,017, A>C on the plus strand (T>G on the coding strand, the complement: KSR2 is on the minus strand). VCF-style: chr12-117531017-A-C. GRCh37 (hg19) VCF-style: chr12-117968822-A-C.
Identifiers: ClinVar variation 3356435 (VCV003356435.1).